The following is an entry in ClinVar:

NM_002471.4(MYH6):c.1708A>T (p.Ile570Phe)

Gene: MYH6 (myosin heavy chain 6; minus strand). Cytogenetic location: 14q11.2.
Variant type: single nucleotide variant.
Coding change: c.1708A>T on transcript NM_002471.4 (MANE Select); coding-DNA position 1708, A replaced by T.
Protein change: p.Ile570Phe; replaces isoleucine 570 with phenylalanine.
Molecular consequence: missense variant.
Genome position (GRCh38, 1-based): chr14:23,398,911, T>A on the plus strand (A>T on the coding strand, the complement: MYH6 is on the minus strand). VCF-style: chr14-23398911-T-A. GRCh37 (hg19) VCF-style: chr14-23868120-T-A.
Other names: short protein forms I570F.
Identifiers: ClinVar variation 1478152 (VCV001478152.10), dbSNP rs1595060558, ClinGen allele CA389020608.

ClinVar aggregate classification (germline): Uncertain significance. Review status: criteria provided, multiple submitters, no conflicts (2 of 4 stars). 2 submissions from 2 submitters: Uncertain significance (2). Last evaluated 2021-04-08.

Conditions:
Cardiovascular phenotype. Identifiers: MedGen CN230736.
Hypertrophic cardiomyopathy 14. Identifiers: MedGen C2750467, MONDO:0013197, OMIM 613251.

Allele frequency attached by ClinVar (database versions not stated): gnomAD exomes below 0.00001.
gnomAD v4.1: 2 of 1,614,128 alleles (0.00012%); highest among the groups gnomAD compares: Non-Finnish European, 0.00017%; no homozygotes.

Submissions (2):

Labcorp Genetics (formerly Invitae), Labcorp
Classification: Uncertain significance for Hypertrophic cardiomyopathy 14. Last evaluated: 2021-04-08. Review status: criteria provided, single submitter. Criteria: Invitae Variant Classification Sherloc (09022015). Collection method: clinical testing. Allele origin: germline.
Comment: This sequence change replaces isoleucine with phenylalanine at codon 570 of the MYH6 protein (p.Ile570Phe). The isoleucine residue is weakly conserved and there is a small physicochemical difference between isoleucine and phenylalanine. This variant is not present in population databases (ExAC no frequency). This variant has not been reported in the literature in individuals with MYH6-related conditions. Algorithms developed to predict the effect of missense changes on protein structure and function (SIFT, PolyPhen-2, Align-GVGD) all suggest that this variant is likely to be tolerated, but these predictions have not been confirmed by published functional studies and their clinical significance is uncertain. In summary, the available evidence is currently insufficient to determine the role of this variant in disease. Therefore, it has been classified as a Variant of Uncertain Significance.

Ambry Genetics
Classification: Uncertain significance for Cardiovascular phenotype. Last evaluated: 2020-07-10. Review status: criteria provided, single submitter. Criteria: Ambry Variant Classification Scheme 2023. Collection method: clinical testing. Allele origin: germline.
Comment: The p.I570F variant (also known as c.1708A>T), located in coding exon 13 of the MYH6 gene, results from an A to T substitution at nucleotide position 1708. The isoleucine at codon 570 is replaced by phenylalanine, an amino acid with highly similar properties. This amino acid position is poorly conserved in available vertebrate species. In addition, this alteration is predicted to be tolerated by in silico analysis. Since supporting evidence is limited at this time, the clinical significance of this alteration remains unclear.